The following is an entry in ClinVar:

NM_004006.3(DMD):c.9497A>G (p.Asn3166Ser)

Gene: DMD (dystrophin; minus strand). Cytogenetic location: Xp21.2.
Variant type: single nucleotide variant.
Coding change: c.9497A>G on transcript NM_004006.3 (MANE Select); coding-DNA position 9497, A replaced by G.
Protein change: p.Asn3166Ser; replaces asparagine 3166 with serine.
Molecular consequence: missense variant.
Genome position (GRCh38, 1-based): chrX:31,209,564, T>C on the plus strand (A>G on the coding strand, the complement: DMD is on the minus strand). VCF-style: chrX-31209564-T-C. GRCh37 (hg19) VCF-style: chrX-31227681-T-C.
Other names: c.9473A>G, p.Asn3158Ser (NM_000109.4); c.9485A>G, p.Asn3162Ser (NM_004009.3); c.9128A>G, p.Asn3043Ser (NM_004010.3); c.5474A>G, p.Asn1825Ser (NM_004011.4); c.5465A>G, p.Asn1822Ser (NM_004012.4); c.2117A>G, p.Asn706Ser (NM_004013.3, NM_004020.4, NM_004021.3 and 2 more transcripts); c.1310A>G, p.Asn437Ser (NM_004014.3); c.293A>G, p.Asn98Ser (NM_004015.3, NM_004016.3, NM_004017.3 and 2 more transcripts); short protein forms N3043S, N437S, N1822S, N706S, N1825S, N3158S, N3162S, N3166S.
Identifiers: ClinVar variation 1767133 (VCV001767133.2), dbSNP rs911738713, ClinGen allele CA328408178.

ClinVar aggregate classification (germline): Uncertain significance (1 of 4 stars; one submission).

Conditions:
Cardiovascular phenotype. Identifiers: MedGen CN230736.

Allele frequency attached by ClinVar (database versions not stated): gnomAD exomes below 0.00001; TOPMed below 0.00001.
gnomAD v4.1: 2 of 1,211,532 alleles (0.00017%); highest among the groups gnomAD compares: Non-Finnish European, 0.00022%; no homozygotes.

Submission:

Ambry Genetics
Classification: Uncertain significance for Cardiovascular phenotype. Last evaluated: 2022-06-14. Review status: criteria provided, single submitter. Criteria: Ambry Variant Classification Scheme 2023. Collection method: clinical testing. Allele origin: germline.
Comment: The p.N3166S variant (also known as c.9497A>G), located in coding exon 65 of the DMD gene, results from an A to G substitution at nucleotide position 9497. The asparagine at codon 3166 is replaced by serine, an amino acid with highly similar properties. This amino acid position is not well conserved in available vertebrate species. In addition, this alteration is predicted to be tolerated by in silico analysis. Since supporting evidence is limited at this time, the clinical significance of this alteration remains unclear.